The following is an entry in ClinVar:

ClinVar aggregate classification (germline): Uncertain significance. Review status: criteria provided, multiple submitters, no conflicts (2 of 4 stars). 2 submissions from 2 submitters: Uncertain significance (2). Last evaluated 2025-03-31.

Conditions:
Bardet-Biedl syndrome (BBS). Identifiers: Orphanet 110, MedGen C0752166, MONDO:0015229.

Allele frequency attached by ClinVar (database versions not stated): gnomAD exomes 0.00001; TOPMed 0.00001.
gnomAD v4.1: 16 of 1,614,106 alleles (0.00099%); highest among the groups gnomAD compares: Non-Finnish European, 0.0014%; no homozygotes.

Submissions (2):

Labcorp Genetics (formerly Invitae), Labcorp
Classification: Uncertain significance for Bardet-Biedl syndrome. Last evaluated: 2025-03-31. Review status: criteria provided, single submitter. Criteria: Invitae Variant Classification Sherloc (09022015). Collection method: clinical testing. Allele origin: germline.
Comment: This sequence change replaces valine, which is neutral and non-polar, with leucine, which is neutral and non-polar, at codon 316 of the TTC8 protein (p.Val316Leu). This variant is not present in population databases (gnomAD no frequency). This variant has not been reported in the literature in individuals affected with TTC8-related conditions. ClinVar contains an entry for this variant (Variation ID: 1978820). Invitae Evidence Modeling of protein sequence and biophysical properties (such as structural, functional, and spatial information, amino acid conservation, physicochemical variation, residue mobility, and thermodynamic stability) indicates that this missense variant is not expected to disrupt TTC8 protein function with a negative predictive value of 80%. In summary, the available evidence is currently insufficient to determine the role of this variant in disease. Therefore, it has been classified as a Variant of Uncertain Significance.

Blueprint Genetics
Classification: Uncertain significance. Last evaluated: 2023-09-15. Review status: criteria provided, single submitter. Criteria: ACMG Guidelines, 2015. Collection method: clinical testing. Allele origin: germline.

NM_144596.4(TTC8):c.976G>T (p.Val326Leu)

Gene: TTC8 (tetratricopeptide repeat domain 8; plus strand). Cytogenetic location: 14q31.3.
Variant type: single nucleotide variant.
Coding change: c.976G>T on transcript NM_144596.4 (MANE Select); coding-DNA position 976, G replaced by T.
Protein change: p.Val326Leu; replaces valine 326 with leucine.
Molecular consequence: missense variant. On other transcripts: non-coding transcript variant (1).
Genome position (GRCh38, 1-based): chr14:88,870,125, G>T. VCF-style: chr14-88870125-G-T. GRCh37 (hg19) VCF-style: chr14-89336469-G-T.
Other names: c.1024G>T, p.Val342Leu (NM_001288781.1); c.382G>T, p.Val128Leu (NM_001288782.1); c.259G>T, p.Val87Leu (NM_001288783.1); c.946G>T, p.Val316Leu (NM_001366535.2, NM_198309.3); c.856G>T, p.Val286Leu (NM_001366536.2, NM_198310.3); short protein forms V286L, V342L, V87L, V326L, V128L, V316L.
Identifiers: ClinVar variation 1978820 (VCV001978820.4), dbSNP rs1276008245, ClinGen allele CA390549677.
Genomic context (GRCh38, chr14:88,870,125, plus strand): 5'-AACAATATGTCATCAGCAGCAGAATATTACAAAGAAGTTTTGAAACAAGACAATACTCAT[G>T]TGGAAGCCATCGCATGCATTGGAAGCAACCACTTCTATTCTGATCAGCCAGAAATAGCTC-3'
Protein context (NP_653197.2, residues 316-336): KEVLKQDNTH[Val326Leu]EAIACIGSNH